The following is an entry in ClinVar:

NM_183235.3(RAB27A):c.11G>T (p.Gly4Val)

Gene: RAB27A (RAB27A, member RAS oncogene family; minus strand). Cytogenetic location: 15q21.3.
Variant type: single nucleotide variant.
Coding change: c.11G>T on transcript NM_183235.3 (MANE Select); coding-DNA position 11, G replaced by T.
Protein change: p.Gly4Val; replaces glycine 4 with valine.
Molecular consequence: missense variant.
Genome position (GRCh38, 1-based): chr15:55,234,924, C>A on the plus strand (G>T on the coding strand, the complement: RAB27A is on the minus strand). VCF-style: chr15-55234924-C-A. GRCh37 (hg19) VCF-style: chr15-55527122-C-A.
Other names: c.11G>T, p.Gly4Val (NM_004580.5, NM_183234.3, NM_183236.3); short protein forms G4V.
Identifiers: ClinVar variation 642121 (VCV000642121.13), dbSNP rs539575657, ClinGen allele CA7573715.
Genomic context (GRCh38, chr15:55,234,924, plus strand): 5'-CTGGTCTTCCCTACACCAGAGTCTCCCAAAGCTAAAAACTTGATGAGGTAATCATAATCT[C>A]CATCAGACATAATGAAGAACTCAGTAGTTCACCTGTAAAATACACACAAAATTTTTTAAT-3'
Protein context (NP_899058.1, residues 1-14): MSD[Gly4Val]DYDYLIKFLA

ClinVar aggregate classification (germline): Uncertain significance. Review status: criteria provided, multiple submitters, no conflicts (2 of 4 stars). 4 submissions from 4 submitters: Uncertain significance (4). Last evaluated 2022-06-27.

Conditions:
Griscelli syndrome type 2 (GS2). Also called: PARTIAL ALBINISM AND IMMUNODEFICIENCY SYNDROME; GRISCELLI SYNDROME WITH HEMOPHAGOCYTIC SYNDROME; PAID SYNDROME. Identifiers: Orphanet 381, Orphanet 79477, MedGen C1868679, MONDO:0011872, OMIM 607624.
Autoinflammatory syndrome. Identifiers: Orphanet 93665, MedGen C3890737, MONDO:0019751.

Allele frequency attached by ClinVar (database versions not stated): TOPMed below 0.00001; gnomAD 0.00001; gnomAD exomes 0.00001 and 0.00003; ExAC 0.00007; 1000 Genomes Project 30x 0.00016; 1000 Genomes Project 0.00020.
gnomAD v4.1: 21 of 1,612,076 alleles (0.0013%); highest among the groups gnomAD compares: East Asian, 0.022%; no homozygotes.

Submissions (4):

Labcorp Genetics (formerly Invitae), Labcorp
Classification: Uncertain significance for Griscelli syndrome type 2. Last evaluated: 2022-06-27. Review status: criteria provided, single submitter. Criteria: Invitae Variant Classification Sherloc (09022015). Collection method: clinical testing. Allele origin: germline.
Comment: This sequence change replaces glycine, which is neutral and non-polar, with valine, which is neutral and non-polar, at codon 4 of the RAB27A protein (p.Gly4Val). This variant is present in population databases (rs539575657, gnomAD 0.04%). This missense change has been observed in individual(s) with hemophagocytic lymphohistiocytosis (PMID: 27781387). ClinVar contains an entry for this variant (Variation ID: 642121). Algorithms developed to predict the effect of missense changes on protein structure and function are either unavailable or do not agree on the potential impact of this missense change (SIFT: "Deleterious"; PolyPhen-2: "Benign"; Align-GVGD: "Class C65"). In summary, the available evidence is currently insufficient to determine the role of this variant in disease. Therefore, it has been classified as a Variant of Uncertain Significance.

Center for Genomics, Ann and Robert H. Lurie Children's Hospital of Chicago
Classification: Uncertain significance for Griscelli syndrome type 2. Last evaluated: 2021-09-09. Review status: criteria provided, single submitter. Criteria: ACMG Guidelines, 2015. Collection method: clinical testing. Allele origin: germline.
Comment: RAB27A NM_004580.4 exon 2 p.Gly4Val (c.11G>T): This variant has been reported in the literature in 1 individual with hemophagocytic lymphohistiocytosis (Xu 2017 PMID:27781387), and is present in 0.04% (7/18238) of East Asian alleles in the Genome Aggregation Database. This variant is present in ClinVar (Variation ID:642121). Evolutionary conservation and computational predictive tools suggest that this variant may impact the protein. In summary, data on this variant is insufficient for disease classification. Therefore, the clinical significance of this variant is uncertain.

Genome Diagnostics Laboratory, The Hospital for Sick Children
Classification: Uncertain significance for Autoinflammatory syndrome. Last evaluated: 2019-11-01. Review status: criteria provided, single submitter. Criteria: ACMG Guidelines, 2015. Collection method: clinical testing. Allele origin: germline. Affected: yes.

Illumina Laboratory Services, Illumina
Classification: Uncertain significance for Griscelli syndrome type 2. Last evaluated: 2017-04-27. Review status: criteria provided, single submitter. Criteria: ICSL Variant Classification Criteria 13 December 2019. Collection method: clinical testing. Allele origin: germline.

Literature cited by the submitters: PubMed 27781387 (cited by Labcorp Genetics (formerly Invitae), Labcorp).